The following is an entry in ClinVar:

NM_170606.3(KMT2C):c.11513C>A (p.Pro3838Gln)

Genes: KMT2C (lysine methyltransferase 2C; minus strand), LOC129999675 (ATAC-STARR-seq lymphoblastoid active region 26876; plus strand). Cytogenetic location: 7q36.1.
Variant type: single nucleotide variant.
Coding change: c.11513C>A on transcript NM_170606.3 (MANE Select); coding-DNA position 11513, C replaced by A.
Protein change: p.Pro3838Gln; replaces proline 3838 with glutamine.
Molecular consequence: missense variant.
Genome position (GRCh38, 1-based): chr7:152,159,020, G>T on the plus strand (C>A on the coding strand, the complement: KMT2C is on the minus strand). VCF-style: chr7-152159020-G-T. GRCh37 (hg19) VCF-style: chr7-151856105-G-T.
Other names: short protein forms P3838Q.
Identifiers: ClinVar variation 1308434 (VCV001308434.2), dbSNP rs2129101609, ClinGen allele CA370100352.

ClinVar aggregate classification (germline): Uncertain significance (1 of 4 stars; one submission).

gnomAD v4.1: 3 of 1,614,016 alleles (0.00019%); highest among the groups gnomAD compares: Middle Eastern, 0.017%; no homozygotes.

Submission:

GeneDx
Classification: Uncertain significance. Last evaluated: 2019-04-08. Review status: criteria provided, single submitter. Criteria: GeneDx Variant Classification Process June 2021. Collection method: clinical testing. Allele origin: germline. Affected: yes.
Comment: Not observed in large population cohorts (Lek et al., 2016); In silico analysis, which includes protein predictors and evolutionary conservation, supports a deleterious effect; Has not been previously published as pathogenic or benign to our knowledge